The following is an entry in ClinVar:

ClinVar aggregate classification (germline): Pathogenic (1 of 4 stars; one submission).

Conditions:
Osteogenesis imperfecta type I (OI1). Also called: Lobstein disease; Osteogenesis imperfecta type 1; Classic Non-deforming Osteogenesis Imperfecta with Blue Sclerae; OI, TYPE I; OSTEOGENESIS IMPERFECTA TARDA; OSTEOGENESIS IMPERFECTA WITH BLUE SCLERAE. Identifiers: Orphanet 216796, Orphanet 666, MedGen C0023931, MONDO:0008146, OMIM 166200. Disease mechanism: loss of function.

Submission:

Labcorp Genetics (formerly Invitae), Labcorp
Classification: Pathogenic for Osteogenesis imperfecta type I. Last evaluated: 2023-03-12. Review status: criteria provided, single submitter. Criteria: Invitae Variant Classification Sherloc (09022015). Collection method: clinical testing. Allele origin: unknown.
Comment: This variant is a gross deletion of the genomic region encompassing exon(s) 10-11 of the COL1A1 gene. This variant would be expected to be in-frame, preserving the integrity of the reading frame. For these reasons, this variant has been classified as Pathogenic. This variant disrupts the triple helix domain of COL1A1. Glycine residues within the Gly-Xaa-Yaa repeats of the triple helix domain are required for the structure and stability of fibrillar collagens (PMID: 7695699, 8218237, 19344236). In COL1A1, variants affecting these glycine residues are significantly enriched in individuals with disease (PMID: 9016532, 17078022) compared to the general population (ExAC). This variant has not been reported in the literature in individuals affected with COL1A1-related conditions.

Literature cited by the submitters: PubMed 7695699; PubMed 8218237; PubMed 19344236; PubMed 9016532; PubMed 17078022.

NC_000017.10:g.(?_48274351)_(48274614_?)del

Gene: COL1A1 (collagen type I alpha 1 chain; minus strand). Cytogenetic location: 17q21.33.
Variant type: Deletion.
Identifiers: ClinVar variation 3242841 (VCV003242841.1).